The following is an entry in ClinVar:

ClinVar aggregate classification (germline): Uncertain significance. Review status: criteria provided, multiple submitters, no conflicts (2 of 4 stars). 2 submissions from 2 submitters: Uncertain significance (2). Last evaluated 2025-03-24.

Conditions:
Megalencephaly-polymicrogyria-postaxial polydactyly-hydrocephalus syndrome. Also called: MPPH Syndrome; MEG-PMG-MEGACC SYNDROME. Identifiers: Orphanet 83473, MedGen C1863924, MONDO:0019375.

Allele frequency attached by ClinVar (database versions not stated): TOPMed 0.00001; gnomAD 0.00002; gnomAD exomes 0.00002 and 0.00003.
gnomAD v4.1: 30 of 1,614,028 alleles (0.0019%); highest among the groups gnomAD compares: Admixed American, 0.0083%; no homozygotes.

Submissions (2):

Labcorp Genetics (formerly Invitae), Labcorp
Classification: Uncertain significance for Megalencephaly-polymicrogyria-postaxial polydactyly-hydrocephalus syndrome. Last evaluated: 2025-03-24. Review status: criteria provided, single submitter. Criteria: Invitae Variant Classification Sherloc (09022015). Collection method: clinical testing. Allele origin: germline.
Comment: This sequence change replaces arginine, which is basic and polar, with histidine, which is basic and polar, at codon 511 of the PIK3R2 protein (p.Arg511His). This variant is present in population databases (rs566152147, gnomAD 0.01%). This variant has not been reported in the literature in individuals affected with PIK3R2-related conditions. ClinVar contains an entry for this variant (Variation ID: 1492869). Invitae Evidence Modeling of protein sequence and biophysical properties (such as structural, functional, and spatial information, amino acid conservation, physicochemical variation, residue mobility, and thermodynamic stability) indicates that this missense variant is not expected to disrupt PIK3R2 protein function with a negative predictive value of 80%. In summary, the available evidence is currently insufficient to determine the role of this variant in disease. Therefore, it has been classified as a Variant of Uncertain Significance.

CeGaT Center for Human Genetics Tuebingen
Classification: Uncertain significance. Last evaluated: 2024-05-01. Review status: criteria provided, single submitter. Criteria: CeGaT Center For Human Genetics Tuebingen Variant Classification Criteria Version 2. Collection method: clinical testing. Allele origin: germline. Affected: yes. Observed: 1 variant allele.

NM_005027.4(PIK3R2):c.1532G>A (p.Arg511His)

Gene: PIK3R2 (phosphoinositide-3-kinase regulatory subunit 2; plus strand). Cytogenetic location: 19p13.11.
Variant type: single nucleotide variant.
Coding change: c.1532G>A on transcript NM_005027.4 (MANE Select); coding-DNA position 1532, G replaced by A.
Protein change: p.Arg511His; replaces arginine 511 with histidine.
Molecular consequence: missense variant. On other transcripts: non-coding transcript variant (2).
Genome position (GRCh38, 1-based): chr19:18,166,275, G>A. VCF-style: chr19-18166275-G-A. GRCh37 (hg19) VCF-style: chr19-18277085-G-A.
Other names: short protein forms R511H.
Identifiers: ClinVar variation 1492869 (VCV001492869.25), dbSNP rs566152147, ClinGen allele CA306174905.